The following is an entry in ClinVar:

ClinVar aggregate classification (germline): Likely benign (1 of 4 stars; one submission).

Submission:

GeneDx
Classification: Likely benign. Last evaluated: 2018-03-29. Review status: criteria provided, single submitter. Criteria: GeneDx Variant Classification (06012015). Collection method: clinical testing. Allele origin: germline. Affected: yes.
Comment: This variant is considered likely benign or benign based on one or more of the following criteria: it is a conservative change, it occurs at a poorly conserved position in the protein, it is predicted to be benign by multiple in silico algorithms, and/or has population frequency not consistent with disease.

NM_003000.3(SDHB):c.541-11T>G

Gene: SDHB (succinate dehydrogenase complex iron sulfur subunit B; minus strand). Cytogenetic location: 1p36.13.
Variant type: single nucleotide variant.
Coding change: c.541-11T>G on transcript NM_003000.3 (MANE Select); 11 bases into the intron before coding-DNA position 541, T replaced by G.
Molecular consequence: intron variant.
Genome position (GRCh38, 1-based): chr1:17,024,085, A>C on the plus strand (T>G on the coding strand, the complement: SDHB is on the minus strand). VCF-style: chr1-17024085-A-C. GRCh37 (hg19) VCF-style: chr1-17350580-A-C.
Identifiers: ClinVar variation 681508 (VCV000681508.1), dbSNP rs1014439132, ClinGen allele CA915941155.